The following is an entry in ClinVar:

ClinVar aggregate classification (germline): Uncertain significance (1 of 4 stars; one submission).

Conditions:
Autosomal dominant nonsyndromic hearing loss 1. Also called: DEAFNESS, AUTOSOMAL DOMINANT 1, WITH OR WITHOUT THROMBOCYTOPENIA; KONIGSMARK SYNDROME. Identifiers: Orphanet 90635, MedGen C1852282, MONDO:0007424, OMIM 124900.
Progressive microcephaly-seizures-cortical blindness-developmental delay syndrome. Also called: Seizures, cortical blindness, and microcephaly syndrome. Identifiers: Orphanet 477814, MedGen C5567650, MONDO:0014714, OMIM 616632.

Submission:

Labcorp Genetics (formerly Invitae), Labcorp
Classification: Uncertain significance for Progressive microcephaly-seizures-cortical blindness-developmental delay syndrome; Autosomal dominant nonsyndromic hearing loss 1. Last evaluated: 2024-02-24. Review status: criteria provided, single submitter. Criteria: Invitae Variant Classification Sherloc (09022015). Collection method: clinical testing. Allele origin: germline.
Comment: This variant, c.2067_2105del, results in the deletion of 13 amino acid(s) of the DIAPH1 protein (p.Ser697_Gly709del), but otherwise preserves the integrity of the reading frame. The frequency data for this variant in the population databases is considered unreliable, as metrics indicate poor data quality at this position in the gnomAD database. This variant has not been reported in the literature in individuals affected with DIAPH1-related conditions. ClinVar contains an entry for this variant (Variation ID: 1040334). Experimental studies and prediction algorithms are not available or were not evaluated, and the functional significance of this variant is currently unknown. In summary, the available evidence is currently insufficient to determine the role of this variant in disease. Therefore, it has been classified as a Variant of Uncertain Significance.

NM_005219.5(DIAPH1):c.2067_2105del (p.Ser697_Gly709del)

Gene: DIAPH1 (diaphanous related formin 1; minus strand). Cytogenetic location: 5q31.3.
Variant type: Deletion.
Coding change: c.2067_2105del on transcript NM_005219.5 (MANE Select); coding-DNA positions 2067 to 2105, 39 bases deleted.
Protein change: p.Ser697_Gly709del.
Molecular consequence: inframe deletion.
Genome position (GRCh38, 1-based): chr5:141,573,745-141,573,783, 39 bases deleted; deleting any 39 consecutive bases within chr5:141,573,745-141,573,788 gives the same sequence; the c. name uses the placement nearest the transcript's 3' end. GRCh37 (hg19): chr5:140,953,317-140,953,355.
Other names: c.2040_2078del, p.Ser688_Gly700del (NM_001079812.3); c.2067_2105del, p.Ser697_Gly709del (NM_001314007.2).
Identifiers: ClinVar variation 1040334 (VCV001040334.9), dbSNP rs746438941, ClinGen allele CA3479158.